The following is an entry in ClinVar:

NM_004259.7(RECQL5):c.1586-10C>A

Gene: RECQL5 (RecQ like helicase 5; minus strand). Cytogenetic location: 17q25.1.
Variant type: single nucleotide variant.
Coding change: c.1586-10C>A on transcript NM_004259.7 (MANE Select); 10 bases into the intron before coding-DNA position 1586, C replaced by A.
Molecular consequence: intron variant.
Genome position (GRCh38, 1-based): chr17:75,630,847, G>T on the plus strand (C>A on the coding strand, the complement: RECQL5 is on the minus strand). VCF-style: chr17-75630847-G-T. GRCh37 (hg19) VCF-style: chr17-73626927-G-T.
Identifiers: ClinVar variation 3047677 (VCV003047677.2), dbSNP rs770972526, ClinGen allele CA8767397.

ClinVar aggregate classification (germline): Likely benign (0 of 4 stars; one submission).

Conditions:
RECQL5-related disorder. Also called: RECQL5-related condition.

Allele frequency attached by ClinVar (database versions not stated): ExAC 0.00040.
gnomAD v4.1: 97 of 1,457,650 alleles (0.0067%); highest among the groups gnomAD compares: East Asian, 0.12%; no homozygotes.

Submission:

PreventionGenetics, part of Exact Sciences
Classification: Likely benign for RECQL5-related condition. Last evaluated: 2022-09-27. Review status: no assertion criteria provided. Collection method: clinical testing. Allele origin: germline.
Comment: This variant is classified as likely benign based on ACMG/AMP sequence variant interpretation guidelines (Richards et al. 2015 PMID: 25741868, with internal and published modifications).